The following is an entry in ClinVar:

NM_207346.3(TSEN54):c.1207C>T (p.Gln403Ter)

Gene: TSEN54 (tRNA splicing endonuclease subunit 54; plus strand). Cytogenetic location: 17q25.1.
Variant type: single nucleotide variant.
Coding change: c.1207C>T on transcript NM_207346.3 (MANE Select); coding-DNA position 1207, C replaced by T.
Protein change: p.Gln403Ter; replaces glutamine 403 with a stop codon.
Molecular consequence: nonsense.
Genome position (GRCh38, 1-based): chr17:75,522,288, C>T. VCF-style: chr17-75522288-C-T. GRCh37 (hg19) VCF-style: chr17-73518369-C-T.
Other names: short protein forms Q403*.
Identifiers: ClinVar variation 2763503 (VCV002763503.3), dbSNP rs2546157518, ClinGen allele CA401030038.

ClinVar aggregate classification (germline): Pathogenic (1 of 4 stars; one submission).

Submission:

Labcorp Genetics (formerly Invitae), Labcorp
Classification: Pathogenic. Last evaluated: 2023-09-26. Review status: criteria provided, single submitter. Criteria: Invitae Variant Classification Sherloc (09022015). Collection method: clinical testing. Allele origin: germline.
Comment: This sequence change creates a premature translational stop signal (p.Gln403*) in the TSEN54 gene. It is expected to result in an absent or disrupted protein product. Loss-of-function variants in TSEN54 are known to be pathogenic (PMID: 18711368, 20952379). This variant is not present in population databases (gnomAD no frequency). This variant has not been reported in the literature in individuals affected with TSEN54-related conditions. Algorithms developed to predict the effect of sequence changes on RNA splicing suggest that this variant may create or strengthen a splice site. For these reasons, this variant has been classified as Pathogenic.

Literature cited by the submitters: PubMed 18711368; PubMed 20952379.